The following is an entry in ClinVar:

ClinVar aggregate classification (germline): Uncertain significance (1 of 4 stars; one submission).

Conditions:
Combined immunodeficiency due to MALT1 deficiency. Also called: Immunodeficiency 12. Identifiers: Orphanet 397964, MedGen C3809583, MONDO:0014197, OMIM 615468.

gnomAD v4.1: 1 of 1,249,392 alleles (0.00008%); highest among the groups gnomAD compares: Non-Finnish European, 0.0001%; no homozygotes.

Submission:

Labcorp Genetics (formerly Invitae), Labcorp
Classification: Uncertain significance for Combined immunodeficiency due to MALT1 deficiency. Last evaluated: 2022-07-14. Review status: criteria provided, single submitter. Criteria: Invitae Variant Classification Sherloc (09022015). Collection method: clinical testing. Allele origin: germline.
Comment: This variant has not been reported in the literature in individuals affected with MALT1-related conditions. In summary, the available evidence is currently insufficient to determine the role of this variant in disease. Therefore, it has been classified as a Variant of Uncertain Significance. Algorithms developed to predict the effect of missense changes on protein structure and function output the following: SIFT: "Tolerated"; PolyPhen-2: "Benign"; Align-GVGD: "Class C0". The leucine amino acid residue is found in multiple mammalian species, which suggests that this missense change does not adversely affect protein function. This variant is not present in population databases (gnomAD no frequency). This sequence change replaces serine, which is neutral and polar, with leucine, which is neutral and non-polar, at codon 14 of the MALT1 protein (p.Ser14Leu).

NM_006785.4(MALT1):c.41C>T (p.Ser14Leu)

Genes: MALT1 (MALT1 paracaspase; plus strand), MALT1-AS1 (MALT1 antisense RNA 1; minus strand), LOC130062586 (ATAC-STARR-seq lymphoblastoid silent region 9487; plus strand). Cytogenetic location: 18q21.32.
Variant type: single nucleotide variant.
Coding change: c.41C>T on transcript NM_006785.4 (MANE Select); coding-DNA position 41, C replaced by T.
Protein change: p.Ser14Leu; replaces serine 14 with leucine.
Molecular consequence: missense variant. On other transcripts: non-coding transcript variant (1).
Genome position (GRCh38, 1-based): chr18:58,671,684, C>T. VCF-style: chr18-58671684-C-T. GRCh37 (hg19) VCF-style: chr18-56338916-C-T.
Other names: c.41C>T, p.Ser14Leu (NM_173844.3); short protein forms S14L.
Identifiers: ClinVar variation 2102694 (VCV002102694.4), dbSNP rs941975162, ClinGen allele CA402570609.